The following is an entry in ClinVar:

ClinVar aggregate classification (germline): Conflicting classifications of pathogenicity. Review status: criteria provided, conflicting classifications (1 of 4 stars). 2 submissions from 2 submitters: Uncertain significance (1); Likely benign (1). Last evaluated 2025-10-13.

Conditions:
Hereditary cancer-predisposing syndrome. Also called: Neoplastic Syndromes, Hereditary; Tumor predisposition; Hereditary neoplastic syndrome; Hereditary Cancer Syndrome. Identifiers: Orphanet 140162, MedGen C0027672, MeSH D009386, MONDO:0015356.
Hereditary breast ovarian cancer syndrome. Also called: Hereditary breast and ovarian cancer syndrome (HBOC); Breast and ovarian cancer; Hereditary breast and/or ovarian cancer syndrome; BRCA1- and BRCA2-Associated Hereditary Breast and Ovarian Cancer; Hereditary breast and ovarian cancer syndrome; Hereditary breast and ovarian cancer. Identifiers: Orphanet 145, MedGen C0677776, MeSH D061325, MONDO:0003582. Disease mechanism: loss of function.

Submissions (2):

Labcorp Genetics (formerly Invitae), Labcorp
Classification: Uncertain significance for Hereditary breast ovarian cancer syndrome. Last evaluated: 2025-10-13. Review status: criteria provided, single submitter. Criteria: Invitae Variant Classification Sherloc (09022015). Collection method: clinical testing. Allele origin: germline.
Comment: This sequence change replaces serine, which is neutral and polar, with arginine, which is basic and polar, at codon 1479 of the BRCA2 protein (p.Ser1479Arg). This variant is not present in population databases (gnomAD no frequency). This variant has not been reported in the literature in individuals affected with BRCA2-related conditions. ClinVar contains an entry for this variant (Variation ID: 3226836). Invitae Evidence Modeling of protein sequence and biophysical properties (such as structural, functional, and spatial information, amino acid conservation, physicochemical variation, residue mobility, and thermodynamic stability) indicates that this missense variant is not expected to disrupt BRCA2 protein function with a negative predictive value of 95%. In summary, the available evidence is currently insufficient to determine the role of this variant in disease. Therefore, it has been classified as a Variant of Uncertain Significance.

Ambry Genetics
Classification: Likely benign for Hereditary cancer-predisposing syndrome. Last evaluated: 2023-12-01. Review status: criteria provided, single submitter. Criteria: Ambry Variant Classification Scheme 2023. Collection method: clinical testing. Allele origin: germline.

NM_000059.4(BRCA2):c.4435A>C (p.Ser1479Arg)

Gene: BRCA2 (BRCA2 DNA repair associated; plus strand). Cytogenetic location: 13q13.1.
Variant type: single nucleotide variant.
Coding change: c.4435A>C on transcript NM_000059.4 (MANE Select); coding-DNA position 4435, A replaced by C.
Protein change: p.Ser1479Arg; replaces serine 1479 with arginine.
Molecular consequence: missense variant. On other transcripts: non-coding transcript variant (1), intron variant (2).
Genome position (GRCh38, 1-based): chr13:32,338,790, A>C. VCF-style: chr13-32338790-A-C. GRCh37 (hg19) VCF-style: chr13-32912927-A-C.
Other names: c.4435A>C, p.Ser1479Arg (NM_001406719.1, NM_001406720.1); c.1909+5403A>C (NM_001406721.1); c.425-5768A>C (NM_001406722.1); short protein forms S1479R.
Identifiers: ClinVar variation 3226836 (VCV003226836.2), dbSNP rs2137506313, ClinGen allele CA387781312.